The following is an entry in ClinVar:

ClinVar aggregate classification (germline): Conflicting classifications of pathogenicity. Review status: criteria provided, conflicting classifications (1 of 4 stars). 3 submissions from 3 submitters: Uncertain significance (2); Likely benign (1). Last evaluated 2024-04-26.

Conditions:
Peutz-Jeghers syndrome (PJS). Also called: Peutz-Jeghers polyposis; Periorificial lentiginosis syndrome; POLYPOSIS, HAMARTOMATOUS INTESTINAL; POLYPS-AND-SPOTS SYNDROME. Identifiers: Orphanet 2869, MedGen C0031269, MeSH D010580, MONDO:0008280, OMIM 175200.
Hereditary cancer-predisposing syndrome. Also called: Tumor predisposition; Hereditary Cancer Syndrome; Neoplastic Syndromes, Hereditary; Hereditary neoplastic syndrome. Identifiers: Orphanet 140162, MedGen C0027672, MeSH D009386, MONDO:0015356.
Melanoma, cutaneous malignant, susceptibility to, 1 (CMM1). Also called: B-K MOLE SYNDROME; MELANOMA, MALIGNANT; DYSPLASTIC NEVUS SYNDROME, HEREDITARY; FAMILIAL ATYPICAL MOLE-MALIGNANT MELANOMA SYNDROME. Identifiers: Orphanet 618, MedGen C1835047, MONDO:0007963, OMIM 155600.

Submissions (3):

Ambry Genetics
Classification: Likely benign for Hereditary cancer-predisposing syndrome. Last evaluated: 2024-04-26. Review status: criteria provided, single submitter. Criteria: Ambry Variant Classification Scheme 2023. Collection method: clinical testing. Allele origin: germline.

Baylor Genetics
Classification: Uncertain significance for Melanoma, cutaneous malignant, susceptibility to, 1. Last evaluated: 2023-08-23. Review status: criteria provided, single submitter. Criteria: ACMG Guidelines, 2015. Collection method: clinical testing. Allele origin: unknown.

Labcorp Genetics (formerly Invitae), Labcorp
Classification: Uncertain significance for Peutz-Jeghers syndrome. Last evaluated: 2020-02-26. Review status: criteria provided, single submitter. Criteria: Invitae Variant Classification Sherloc (09022015). Collection method: clinical testing. Allele origin: germline.
Comment: This variant has not been reported in the literature in individuals with STK11-related conditions. In summary, the available evidence is currently insufficient to determine the role of this variant in disease. Therefore, it has been classified as a Variant of Uncertain Significance. Algorithms developed to predict the effect of missense changes on protein structure and function (SIFT, PolyPhen-2, Align-GVGD) all suggest that this variant is likely to be tolerated, but these predictions have not been confirmed by published functional studies and their clinical significance is uncertain. This sequence change replaces arginine with leucine at codon 409 of the STK11 protein (p.Arg409Leu). The arginine residue is moderately conserved and there is a moderate physicochemical difference between arginine and leucine. This variant is not present in population databases (ExAC no frequency).

NM_000455.5(STK11):c.1226G>T (p.Arg409Leu)

Gene: STK11 (serine/threonine kinase 11; plus strand). Cytogenetic location: 19p13.3.
Variant type: single nucleotide variant.
Coding change: c.1226G>T on transcript NM_000455.5 (MANE Select); coding-DNA position 1226, G replaced by T.
Protein change: p.Arg409Leu; replaces arginine 409 with leucine.
Molecular consequence: missense variant.
Genome position (GRCh38, 1-based): chr19:1,226,571, G>T. VCF-style: chr19-1226571-G-T. GRCh37 (hg19) VCF-style: chr19-1226570-G-T.
Other names: c.1226G>T (NM_000455.4); short protein forms R409L.
Identifiers: ClinVar variation 1011803 (VCV001011803.11), dbSNP rs587782364, ClinGen allele CA402953850.